The following is an entry in ClinVar:

NM_001303052.2(MYT1L):c.394del (p.Glu132fs)

Gene: MYT1L (myelin transcription factor 1 like; minus strand). Cytogenetic location: 2p25.3.
Variant type: Deletion.
Coding change: c.394del on transcript NM_001303052.2 (MANE Select); coding-DNA position 394, one base deleted (G; older notation c.394delG).
Protein change: p.Glu132fs; shifts the reading frame from glutamic acid 132.
Molecular consequence: frameshift variant.
Genome position (GRCh38, 1-based): chr2:1,943,093, C deleted on the plus strand (G on the coding strand, the reverse complement: MYT1L is on the minus strand); the first of 2 consecutive C bases (chr2:1,943,093-1,943,094); deleting either gives the same sequence. VCF-style (leftmost placement, unchanged base first): chr2-1943092-TC-T. GRCh37 (hg19) VCF-style: chr2-1946864-TC-T.
Other names: c.394del, p.Glu132fs (NM_001329844.2, NM_001329845.1, NM_001329846.3 and 6 more transcripts); c.394delG (NM_001303052.2); short protein forms E132fs.
Identifiers: ClinVar variation 3338193 (VCV003338193.2).

ClinVar aggregate classification (germline): Pathogenic (0 of 4 stars; one submission).

Conditions:
Autism (AUTS). Also called: Autistic disorder of childhood onset; Autistic disorder. Identifiers: MedGen C0004352, MeSH D001321, MONDO:0005260, OMIM 209850, HP:0000717.

Submission:

Centre for Addiction & Mental Health
Classification: Pathogenic for Autism. Review status: no assertion criteria provided. Collection method: research. Allele origin: de novo. Affected: yes. Observed: 1 heterozygote. Segregation with disease not observed.
Comment: de novo loss-of-function variant in known disesae gene